The following is an entry in ClinVar:

ClinVar aggregate classification (germline): Likely benign (1 of 4 stars; one submission).

gnomAD v4.1: 36 of 1,601,626 alleles (0.0022%); highest among the groups gnomAD compares: Admixed American, 0.017%; no homozygotes.

Submission:

CeGaT Center for Human Genetics Tuebingen
Classification: Likely benign. Last evaluated: 2025-04-01. Review status: criteria provided, single submitter. Criteria: CeGaT Center For Human Genetics Tuebingen Variant Classification Criteria Version 2. Collection method: clinical testing. Allele origin: germline. Affected: yes. Observed: 1 variant allele.
Comment: SON: BP4, BP7

NM_138927.4(SON):c.6870A>G (p.Gln2290=)

Gene: SON (SON DNA and RNA binding protein; plus strand). Cytogenetic location: 21q22.11.
Variant type: single nucleotide variant.
Coding change: c.6870A>G on transcript NM_138927.4 (MANE Select); coding-DNA position 6870, A replaced by G.
Protein change: p.Gln2290=; no amino-acid change (glutamine 2290 retained).
Molecular consequence: synonymous variant. On other transcripts: non-coding transcript variant (1).
Genome position (GRCh38, 1-based): chr21:33,569,072, A>G. VCF-style: chr21-33569072-A-G. GRCh37 (hg19) VCF-style: chr21-34941378-A-G.
Other names: c.954A>G, p.Gln318= (NM_001291412.3).
Identifiers: ClinVar variation 3898155 (VCV003898155.7).